The following is an entry in ClinVar:

NM_000245.4(MET):c.3315T>C (p.Ile1105=)

Gene: MET (MET proto-oncogene, receptor tyrosine kinase; plus strand). Cytogenetic location: 7q31.2.
Variant type: single nucleotide variant.
Coding change: c.3315T>C on transcript NM_000245.4 (MANE Select); coding-DNA position 3315, T replaced by C.
Protein change: p.Ile1105=; no amino-acid change (isoleucine 1105 retained).
Molecular consequence: synonymous variant.
Genome position (GRCh38, 1-based): chr7:116,777,444, T>C. VCF-style: chr7-116777444-T-C. GRCh37 (hg19) VCF-style: chr7-116417498-T-C.
Other names: c.3369T>C, p.Ile1123= (NM_001127500.3); c.2025T>C, p.Ile675= (NM_001324402.2).
Identifiers: ClinVar variation 2453382 (VCV002453382.3), dbSNP rs2485816327, ClinGen allele CA457218600.
Genomic context (GRCh38, chr7:116,777,444, plus strand): 5'-CACAGGGCATTTTGGTTGTGTATATCATGGGACTTTGTTGGACAATGATGGCAAGAAAAT[T>C]CACTGTGCTGTGAAATCCTTGAACAGTAAGTGGCATTTTATTTAACCATGGAGTATACTT-3'
Protein context (NP_000236.2, residues 1095-1115): GTLLDNDGKK[Ile1105=]HCAVKSLNRI

ClinVar aggregate classification (germline): Benign/Likely benign. Review status: criteria provided, multiple submitters, no conflicts (2 of 4 stars). 2 submissions from 2 submitters: Benign (1); Likely benign (1). Last evaluated 2024-11-13.

Conditions:
Papillary renal cell carcinoma type 1 (RCCP1). Also called: Renal adenocarcinoma; Renal cell carcinoma 1; RENAL CELL CARCINOMA, PAPILLARY, 1, SOMATIC; Renal cell carcinoma, somatic. Identifiers: Orphanet 47044, MedGen C1336839, OMIM 605074, HP:0011797.
Hereditary cancer-predisposing syndrome. Also called: Neoplastic Syndromes, Hereditary; Tumor predisposition; Hereditary neoplastic syndrome; Hereditary Cancer Syndrome. Identifiers: Orphanet 140162, MedGen C0027672, MeSH D009386, MONDO:0015356.

Submissions (2):

Myriad Genetics, Inc.
Classification: Benign for Papillary renal cell carcinoma type 1. Last evaluated: 2024-11-13. Review status: criteria provided, single submitter. Criteria: Myriad Autosomal Dominant, Autosomal Recessive and X-Linked Classification Criteria (2023). Collection method: clinical testing. Allele origin: unknown.
Comment: This variant is considered benign. This variant is a silent/synonymous amino acid change and it is not expected to impact splicing.

Ambry Genetics
Classification: Likely benign for Hereditary cancer-predisposing syndrome. Last evaluated: 2022-11-27. Review status: criteria provided, single submitter. Criteria: Ambry Variant Classification Scheme 2023. Collection method: clinical testing. Allele origin: germline.